The following is an entry in ClinVar:

NM_003073.5(SMARCB1):c.323A>G (p.Lys108Arg)

Gene: SMARCB1 (SWI/SNF related BAF chromatin remodeling complex subunit B1; plus strand). Cytogenetic location: 22q11.23.
Variant type: single nucleotide variant.
Coding change: c.323A>G on transcript NM_003073.5 (MANE Select); coding-DNA position 323, A replaced by G.
Protein change: p.Lys108Arg; replaces lysine 108 with arginine.
Molecular consequence: missense variant.
Genome position (GRCh38, 1-based): chr22:23,793,649, A>G. VCF-style: chr22-23793649-A-G. GRCh37 (hg19) VCF-style: chr22-24135836-A-G.
Other names: c.296A>G, p.Lys99Arg (NM_001007468.3, NM_001317946.2); c.323A>G, p.Lys108Arg (NM_001362877.2); short protein forms K108R, K99R.
Identifiers: ClinVar variation 1714604 (VCV001714604.5), dbSNP rs2145964240, ClinGen allele CA410933942.
Genomic context (GRCh38, chr22:23,793,649, plus strand): 5'-TGACCCTGTTAAAAGCCTCGGAAGTGGAAGAGATTCTGGATGGCAACGATGAGAAGTACA[A>G]GGCTGTGTCCATCAGCACAGAGCCCCCCACCTACCTCAGGTAATGCGTTCCTGGCCAGGG-3'
Protein context (NP_003064.2, residues 98-118): EILDGNDEKY[Lys108Arg]AVSISTEPPT

ClinVar aggregate classification (germline): Uncertain significance (1 of 4 stars; one submission).

Submission:

Labcorp Genetics (formerly Invitae), Labcorp
Classification: Uncertain significance. Last evaluated: 2022-07-31. Review status: criteria provided, single submitter. Criteria: Invitae Variant Classification Sherloc (09022015). Collection method: clinical testing. Allele origin: germline.
Comment: In summary, the available evidence is currently insufficient to determine the role of this variant in disease. Therefore, it has been classified as a Variant of Uncertain Significance. Algorithms developed to predict the effect of missense changes on protein structure and function (SIFT, PolyPhen-2, Align-GVGD) all suggest that this variant is likely to be tolerated. This variant has not been reported in the literature in individuals affected with SMARCB1-related conditions. This variant is not present in population databases (gnomAD no frequency). This sequence change replaces lysine, which is basic and polar, with arginine, which is basic and polar, at codon 108 of the SMARCB1 protein (p.Lys108Arg).